The following is an entry in ClinVar:

ClinVar aggregate classification (germline): Uncertain significance. Review status: criteria provided, multiple submitters, no conflicts (2 of 4 stars). 2 submissions from 2 submitters: Uncertain significance (2). Last evaluated 2023-12-11.

Conditions:
Hereditary cancer-predisposing syndrome. Also called: Hereditary Cancer Syndrome; Hereditary neoplastic syndrome; Neoplastic Syndromes, Hereditary; Tumor predisposition. Identifiers: Orphanet 140162, MedGen C0027672, MeSH D009386, MONDO:0015356.

Submissions (2):

Labcorp Genetics (formerly Invitae), Labcorp
Classification: Uncertain significance. Last evaluated: 2023-12-11. Review status: criteria provided, single submitter. Criteria: Invitae Variant Classification Sherloc (09022015). Collection method: clinical testing. Allele origin: germline.
Comment: This sequence change replaces alanine, which is neutral and non-polar, with glutamic acid, which is acidic and polar, at codon 426 of the POLE protein (p.Ala426Glu). This variant is not present in population databases (gnomAD no frequency). This variant has not been reported in the literature in individuals affected with POLE-related conditions. ClinVar contains an entry for this variant (Variation ID: 1766821). Advanced modeling of protein sequence and biophysical properties (such as structural, functional, and spatial information, amino acid conservation, physicochemical variation, residue mobility, and thermodynamic stability) performed at Invitae indicates that this missense variant is expected to disrupt POLE protein function with a positive predictive value of 80%. In summary, the available evidence is currently insufficient to determine the role of this variant in disease. Therefore, it has been classified as a Variant of Uncertain Significance.

Ambry Genetics
Classification: Uncertain significance for Hereditary cancer-predisposing syndrome. Last evaluated: 2021-10-25. Review status: criteria provided, single submitter. Criteria: Ambry Variant Classification Scheme 2023. Collection method: clinical testing. Allele origin: germline.
Comment: The p.A426E variant (also known as c.1277C>A), located in coding exon 13 of the POLE gene, results from a C to A substitution at nucleotide position 1277. The alanine at codon 426 is replaced by glutamic acid, an amino acid with dissimilar properties. This amino acid position is highly conserved in available vertebrate species. In addition, the in silico prediction for this alteration is inconclusive. Since supporting evidence is limited at this time, the clinical significance of this alteration remains unclear.

NM_006231.4(POLE):c.1277C>A (p.Ala426Glu)

Gene: POLE (DNA polymerase epsilon, catalytic subunit; minus strand). Cytogenetic location: 12q24.33.
Variant type: single nucleotide variant.
Coding change: c.1277C>A on transcript NM_006231.4 (MANE Select); coding-DNA position 1277, C replaced by A.
Protein change: p.Ala426Glu; replaces alanine 426 with glutamic acid.
Molecular consequence: missense variant.
Genome position (GRCh38, 1-based): chr12:132,673,657, G>T on the plus strand (C>A on the coding strand, the complement: POLE is on the minus strand). VCF-style: chr12-132673657-G-T. GRCh37 (hg19) VCF-style: chr12-133250243-G-T.
Other names: short protein forms A426E.
Identifiers: ClinVar variation 1766821 (VCV001766821.7), dbSNP rs374920539, ClinGen allele CA387359516.